The following is an entry in ClinVar:

NM_002340.6(LSS):c.1380C>T (p.Ala460=)

Gene: LSS (lanosterol synthase; minus strand). Cytogenetic location: 21q22.3.
Variant type: single nucleotide variant.
Coding change: c.1380C>T on transcript NM_002340.6 (MANE Select); coding-DNA position 1380, C replaced by T.
Protein change: p.Ala460=; no amino-acid change (alanine 460 retained).
Molecular consequence: synonymous variant.
Genome position (GRCh38, 1-based): chr21:46,207,515, G>A on the plus strand (C>T on the coding strand, the complement: LSS is on the minus strand). VCF-style: chr21-46207515-G-A. GRCh37 (hg19) VCF-style: chr21-47627429-G-A.
Other names: c.1380C>T, p.Ala460= (NM_001001438.3); c.1347C>T, p.Ala449= (NM_001145436.2); c.1140C>T, p.Ala380= (NM_001145437.2).
Identifiers: ClinVar variation 2052961 (VCV002052961.6), dbSNP rs189009774, ClinGen allele CA10075016.

ClinVar aggregate classification (germline): Benign/Likely benign. Review status: criteria provided, multiple submitters, no conflicts (2 of 4 stars). 3 submissions from 3 submitters: Benign (1); Likely benign (2). Last evaluated 2026-08-01.

Allele frequency attached by ClinVar (database versions not stated): gnomAD exomes 0.00029; gnomAD 0.00065; TOPMed 0.00076; ExAC 0.00115; 1000 Genomes Project 30x 0.00219; 1000 Genomes Project 0.00240.
gnomAD v4.1: 557 of 1,612,202 alleles (0.035%); highest among the groups gnomAD compares: East Asian, 1%; 4 homozygotes.

Submissions (3):

CeGaT Center for Human Genetics Tuebingen
Classification: Likely benign. Last evaluated: 2026-08-01. Review status: criteria provided, single submitter. Criteria: CeGaT Center For Human Genetics Tuebingen Variant Classification Criteria Version 2. Collection method: clinical testing. Allele origin: germline. Affected: yes. Observed: 1 variant allele.
Comment: LSS: BP4, BP7, BS1

Labcorp Genetics (formerly Invitae), Labcorp
Classification: Benign. Last evaluated: 2025-03-19. Review status: criteria provided, single submitter. Criteria: Invitae Variant Classification Sherloc (09022015). Collection method: clinical testing. Allele origin: germline.

Blueprint Genetics
Classification: Likely benign. Last evaluated: 2024-11-20. Review status: criteria provided, single submitter. Criteria: ACMG Guidelines, 2015. Collection method: clinical testing. Allele origin: germline.